The following is an entry in ClinVar:

ClinVar aggregate classification (germline): Likely benign (1 of 4 stars; one submission).

Conditions:
UNC13A-related disorder. Also called: UNC13A-related condition.

Submission:

PreventionGenetics, part of Exact Sciences
Classification: Likely benign for UNC13A-related condition. Last evaluated: 2025-02-13. Review status: criteria provided, single submitter. Criteria: ACMG Guidelines, 2015. Collection method: clinical testing. Allele origin: germline.
Comment: This variant is classified as likely benign based on ACMG/AMP sequence variant interpretation guidelines (Richards et al. 2015 PMID: 25741868, with internal and published modifications).

NM_001080421.3(UNC13A):c.1647G>C (p.Ser549=)

Gene: UNC13A (unc-13 homolog A; minus strand). Cytogenetic location: 19p13.11.
Variant type: single nucleotide variant.
Coding change: c.1647G>C on transcript NM_001080421.3 (MANE Select); coding-DNA position 1647, G replaced by C.
Protein change: p.Ser549=; no amino-acid change (serine 549 retained).
Molecular consequence: synonymous variant.
Genome position (GRCh38, 1-based): chr19:17,648,600, C>G on the plus strand (G>C on the coding strand, the complement: UNC13A is on the minus strand). VCF-style: chr19-17648600-C-G. GRCh37 (hg19) VCF-style: chr19-17759409-C-G.
Other names: c.1641G>C, p.Ser547= (NM_001387021.1, NM_001387022.1, NM_001387023.1).
Identifiers: ClinVar variation 4989588 (VCV004989588.1).